The following is an entry in ClinVar:

ClinVar aggregate classification (germline): Benign/Likely benign. Review status: criteria provided, multiple submitters, no conflicts (2 of 4 stars). 2 submissions from 2 submitters: Benign (1); Likely benign (1). Last evaluated 2024-10-18.

Allele frequency attached by ClinVar (database versions not stated): ESP Exome Variant Server 0.00744; 1000 Genomes Project 30x 0.00750; gnomAD exomes 0.00047 and 0.00113; ExAC 0.00145; gnomAD 0.00533 and 0.00566; 1000 Genomes Project 0.00619.

Submissions (2):

Blueprint Genetics
Classification: Likely benign. Last evaluated: 2024-10-18. Review status: criteria provided, single submitter. Criteria: ACMG Guidelines, 2015. Collection method: clinical testing. Allele origin: germline.

GeneDx
Classification: Benign. Last evaluated: 2014-03-12. Review status: criteria provided, single submitter. Criteria: GeneDx Variant Classification (06012015). Collection method: clinical testing. Allele origin: germline. Affected: yes.
Comment: The variant is found in DCM-CRDM,CARDIOMYOPATHY panel(s).

NM_001267550.2(TTN):c.11311+1070_11311+1071insG

Gene: TTN (titin; minus strand). Cytogenetic location: 2q31.2.
Variant type: Insertion.
Coding change: c.11311+1070_11311+1071insG on transcript NM_001267550.2 (MANE Select); bases 1070 to 1071 of the intron after coding-DNA position 11311, G inserted.
Molecular consequence: intron variant.
Genome position: GRCh38 VCF-style: chr2-178752053-A-AC. GRCh37 (hg19) VCF-style: chr2-179616780-A-AC.
Other names: c.10222+1070_10222+1071insG (NM_003319.4); c.10798+1070_10798+1071insG (NM_133437.4); c.10597+1070_10597+1071insG (NM_133432.3); c.10360+1070_10360+1071insG (NM_133378.4, NM_001256850.1); c.10361-15_10361-14insG (NM_133379.5).
Identifiers: ClinVar variation 202290 (VCV000202290.2), dbSNP rs574419329, ClinGen allele CA308986.